The following is an entry in ClinVar:

ClinVar aggregate classification (germline): Pathogenic (1 of 4 stars; one submission).

Allele frequency attached by ClinVar (database versions not stated): gnomAD exomes below 0.00001.
gnomAD v4.1: 2 of 1,613,630 alleles (0.00012%); highest among the groups gnomAD compares: Admixed American, 0.0033%; no homozygotes.

Submission:

Labcorp Genetics (formerly Invitae), Labcorp
Classification: Pathogenic. Last evaluated: 2023-08-07. Review status: criteria provided, single submitter. Criteria: Invitae Variant Classification Sherloc (09022015). Collection method: clinical testing. Allele origin: germline.
Comment: For these reasons, this variant has been classified as Pathogenic. This variant has not been reported in the literature in individuals affected with CARMIL2-related conditions. This variant is present in population databases (no rsID available, gnomAD 0.006%). This sequence change creates a premature translational stop signal (p.Gln945*) in the CARMIL2 gene. It is expected to result in an absent or disrupted protein product. Loss-of-function variants in CARMIL2 are known to be pathogenic (PMID: 27647349, 28112205).

Literature cited by the submitters: PubMed 27647349; PubMed 28112205.

NM_001013838.3(CARMIL2):c.2833C>T (p.Gln945Ter)

Gene: CARMIL2 (capping protein regulator and myosin 1 linker 2; plus strand). Cytogenetic location: 16q22.1.
Variant type: single nucleotide variant.
Coding change: c.2833C>T on transcript NM_001013838.3 (MANE Select); coding-DNA position 2833, C replaced by T.
Protein change: p.Gln945Ter; replaces glutamine 945 with a stop codon.
Molecular consequence: nonsense.
Genome position (GRCh38, 1-based): chr16:67,652,487, C>T. VCF-style: chr16-67652487-C-T. GRCh37 (hg19) VCF-style: chr16-67686390-C-T.
Other names: c.2725C>T, p.Gln909Ter (NM_001317026.3); short protein forms Q945*, Q909*.
Identifiers: ClinVar variation 2732215 (VCV002732215.3), dbSNP rs1199532471, ClinGen allele CA396342414.